The following is an entry in ClinVar:

NM_004655.4(AXIN2):c.1387C>T (p.Arg463Cys)

Gene: AXIN2 (axin 2; minus strand). Cytogenetic location: 17q24.1.
Variant type: single nucleotide variant.
Coding change: c.1387C>T on transcript NM_004655.4 (MANE Select); coding-DNA position 1387, C replaced by T.
Protein change: p.Arg463Cys; replaces arginine 463 with cysteine.
Molecular consequence: missense variant.
Genome position (GRCh38, 1-based): chr17:65,537,649, G>A on the plus strand (C>T on the coding strand, the complement: AXIN2 is on the minus strand). VCF-style: chr17-65537649-G-A. GRCh37 (hg19) VCF-style: chr17-63533767-G-A.
Other names: c.1387C>T (LRG_296t1); c.1387C>T, p.Arg463Cys (NM_001363813.1); short protein forms R463C.
Identifiers: ClinVar variation 408788 (VCV000408788.19), dbSNP rs730881395, ClinGen allele CA8718662.

ClinVar aggregate classification (germline): Uncertain significance. Review status: criteria provided, multiple submitters, no conflicts (2 of 4 stars). 7 submissions from 7 submitters: Uncertain significance (7). Last evaluated 2025-08-25.

Conditions:
Colorectal cancer. Also called: Colorectal cancer, somatic; Malignant Colorectal Neoplasm. Identifiers: MedGen C0346629, MONDO:0005575, OMIM 114500.
Oligodontia-cancer predisposition syndrome. Also called: TOOTH AGENESIS-COLORECTAL CANCER SYNDROME. Identifiers: Orphanet 300576, MedGen C1837750, MONDO:0012075, OMIM 608615. Disease mechanism: loss of function.
Hereditary cancer-predisposing syndrome. Also called: Hereditary Cancer Syndrome; Hereditary neoplastic syndrome; Neoplastic Syndromes, Hereditary; Tumor predisposition. Identifiers: Orphanet 140162, MedGen C0027672, MeSH D009386, MONDO:0015356.

Allele frequency attached by ClinVar (database versions not stated): ExAC 0.00002; TOPMed 0.00002.
gnomAD v4.1: 15 of 1,573,208 alleles (0.00095%); highest among the groups gnomAD compares: African/African-American, 0.0027%; no homozygotes.

Submissions (7):

Labcorp Genetics (formerly Invitae), Labcorp
Classification: Uncertain significance for Oligodontia-cancer predisposition syndrome. Last evaluated: 2025-08-25. Review status: criteria provided, single submitter. Criteria: Invitae Variant Classification Sherloc (09022015). Collection method: clinical testing. Allele origin: germline.
Comment: This sequence change replaces arginine, which is basic and polar, with cysteine, which is neutral and slightly polar, at codon 463 of the AXIN2 protein (p.Arg463Cys). The frequency data for this variant in the population databases is considered unreliable, as metrics indicate poor data quality at this position in the gnomAD database. This missense change has been observed in individual(s) with attenuated familial adenomatous polyposis (AFAP). The variant segregates with disease in this family (PMID: 23838596). It has also been observed to segregate with disease in related individuals. ClinVar contains an entry for this variant (Variation ID: 408788). Invitae Evidence Modeling of protein sequence and biophysical properties (such as structural, functional, and spatial information, amino acid conservation, physicochemical variation, residue mobility, and thermodynamic stability) indicates that this missense variant is not expected to disrupt AXIN2 protein function with a negative predictive value of 80%. In summary, the available evidence is currently insufficient to determine the role of this variant in disease. Therefore, it has been classified as a Variant of Uncertain Significance.

Quest Diagnostics Nichols Institute San Juan Capistrano
Classification: Uncertain significance. Last evaluated: 2025-05-27. Review status: criteria provided, single submitter. Criteria: Quest Diagnostics criteria. Collection method: clinical testing. Allele origin: unknown.
Comment: The AXIN2 c.1387C>T (p.Arg463Cys) variant has been reported in the published literature in individuals with familial adenomatous polyposis (23838596 (2014)). The frequency of this variant in the general population (Genome Aggregation Database) is uninformative in the assessment of its pathogenicity. Analysis of this variant using bioinformatics tools for the prediction of the effect of amino acid changes on protein structure and function yielded conflicting predictions that this variant is deleterious or benign. Based on the available information, we are unable to determine the clinical significance of this variant.

GeneDx
Classification: Uncertain significance. Last evaluated: 2024-12-09. Review status: criteria provided, single submitter. Criteria: GeneDx Variant Classification Process June 2021. Collection method: clinical testing. Allele origin: germline. Affected: yes.
Comment: Not observed at significant frequency in large population cohorts (gnomAD); In silico analysis supports that this missense variant has a deleterious effect on protein structure/function; Observed to segregate with disease in a family affected with attenuated familial adenomatous polyposis (AFAP) (PMID: 23838596); This variant is associated with the following publications: (PMID: 25236910, 30671715, 29223984, 34817745, 15735151, 37626374, 32807118, 23838596, 36502525)

Ambry Genetics
Classification: Uncertain significance for Hereditary cancer-predisposing syndrome. Last evaluated: 2024-11-12. Review status: criteria provided, single submitter. Criteria: Ambry Variant Classification Scheme 2023. Collection method: clinical testing. Allele origin: germline.
Comment: The p.R463C variant (also known as c.1387C>T), located in coding exon 5 of the AXIN2 gene, results from a C to T substitution at nucleotide position 1387. The arginine at codon 463 is replaced by cysteine, an amino acid with highly dissimilar properties. This alteration has been reported in a family with attenuated familial adenomatous polyposis, without oligodontia or ectodermal dysplasia (Rivera B et al, Eur J Hum Genet. 2014 Mar;22:423-6). This amino acid position is well conserved in available vertebrate species. In addition, the in silico prediction for this alteration is inconclusive. Since supporting evidence is limited at this time, the clinical significance of this alteration remains unclear.

Fulgent Genetics
Classification: Uncertain significance for Colorectal cancer; Oligodontia-cancer predisposition syndrome. Last evaluated: 2024-04-26. Review status: criteria provided, single submitter. Criteria: ACMG Guidelines, 2015. Collection method: clinical testing. Allele origin: germline.

Baylor Genetics
Classification: Uncertain significance for Colorectal cancer. Last evaluated: 2023-11-27. Review status: criteria provided, single submitter. Criteria: ACMG Guidelines, 2015. Collection method: clinical testing. Allele origin: unknown.

Sema4
Classification: Uncertain significance for Hereditary cancer-predisposing syndrome. Last evaluated: 2021-04-30. Review status: criteria provided, single submitter. Criteria: Sema4 Curation Guidelines. Collection method: curation. Allele origin: germline.
Comment: The AXIN2 c.1387C>T (p.R463C) variant has been reported in one family with an attenuated familial adenomatous polyposis phenotype and early onset colorectal cancer (PMID: 23838596). This family did not present with any dental abnormalities typically associated with AXIN2 pathogenic variants. It was observed in 1/11430 chromosomes of the African/African American subpopulation in the large and broad cohorts of the Genome Aggregation Database (PMID: 32461654). This variant has been reported in ClinVar (Variation ID 408788). In silico tools suggest the impact of the variant on protein function is deleterious, though these predictions have not been confirmed by functional studies. The evidence is insufficient to meet ACMG/AMP criteria for classifying the variant as benign or pathogenic. Thus, the clinical significance of this variant is currently uncertain.

Literature cited by the submitters: PubMed 23838596 (cited by 4 submitters); PubMed 37626374 (cited by Quest Diagnostics Nichols Institute San Juan Capistrano); PubMed 36502525 (cited by Quest Diagnostics Nichols Institute San Juan Capistrano); PubMed 32807118 (cited by Quest Diagnostics Nichols Institute San Juan Capistrano); PubMed 30671715 (cited by Quest Diagnostics Nichols Institute San Juan Capistrano).